The following is an entry in ClinVar:

NM_022455.5(NSD1):c.2256_2257del (p.Pro753fs)

Gene: NSD1 (nuclear receptor binding SET domain protein 1; plus strand). Cytogenetic location: 5q35.3.
Variant type: Microsatellite.
Coding change: c.2256_2257del on transcript NM_022455.5 (MANE Select); coding-DNA positions 2256 to 2257, 2 bases deleted (TC; older notation c.2256_2257delTC).
Protein change: p.Pro753fs; shifts the reading frame from proline 753.
Molecular consequence: frameshift variant.
Genome position (GRCh38, 1-based): chr5:177,210,655-177,210,656, TC deleted; deleting any 2 consecutive bases within chr5:177,210,648-177,210,656 gives the same sequence; the c. name uses the placement nearest the transcript's 3' end. VCF-style (leftmost placement, unchanged base first): chr5-177210647-GCT-G. GRCh37 (hg19) VCF-style: chr5-176637648-GCT-G.
Other names: c.2256_2257delTC (NM_022455.4); c.1377_1378TC[3], p.Pro462Lysfs (NM_001365684.2, NM_001409306.1, NM_001409307.1 and 3 more transcripts); c.2250_2251TC[3], p.Pro753Lysfs (NM_001409301.1, NM_001409302.1, NM_001409303.1); c.1830_1831TC[3], p.Pro613Lysfs (NM_001409304.1); c.1497_1498TC[3], p.Pro502Lysfs (NM_001409305.1); short protein forms P484fs, P753fs.
Identifiers: ClinVar variation 665380 (VCV000665380.9), dbSNP rs1581319715, ClinGen allele CA915942723.
Genomic context (GRCh38, chr5:177,210,647, plus strand): 5'-CTCTCTGATCTGAAGGCATCTACTCTTGTTCACAAACCCCAGTCAGATTTTACAAATGAT[GCT>G]CTCTCTCCAAAATTCAACCTGTCATCAAGCATATCCAGTGAGAACTCGTTAATAAAGGGT-3'

ClinVar aggregate classification (germline): Pathogenic. Review status: criteria provided, multiple submitters, no conflicts (2 of 4 stars). 5 submissions from 4 submitters: Pathogenic (5). Last evaluated 2025-01-10.

Conditions:
NSD1-related disorder. Also called: NSD1-related condition.
Inborn genetic diseases. Identifiers: MedGen C0950123, MeSH D030342.
Sotos syndrome (SOTOS). Also called: CHROMOSOME 5q35 DELETION SYNDROME; CEREBRAL GIGANTISM; Sotos' syndrome; SOTOS SYNDROME 1; Distinctive facial appearance, overgrowth in childhood, and learning disabilities or delayed development. Identifiers: Orphanet 821, MedGen C0175695, MONDO:0019349, OMIM 117550.
Beckwith-Wiedemann syndrome (BWS). Also called: Exomphalos macroglossia gigantism syndrome; EMG SYNDROME. Identifiers: Orphanet 116, MedGen C0004903, MONDO:0007534, OMIM 130650.

Submissions (5):

Ambry Genetics
Classification: Pathogenic for Inborn genetic diseases. Last evaluated: 2025-01-10. Review status: criteria provided, single submitter. Criteria: Ambry Variant Classification Scheme 2023. Collection method: clinical testing. Allele origin: germline.
Comment: The c.2256_2257delTC (p.P753Kfs*11) alteration, located in exon 5 (coding exon 4) of the NSD1 gene, consists of a deletion of 2 nucleotides from position 2256 to 2257, causing a translational frameshift with a predicted alternate stop codon after 11 amino acids. This alteration is expected to result in loss of function by premature protein truncation or nonsense-mediated mRNA decay. This variant was not reported in population-based cohorts in the Genome Aggregation Database (gnomAD). Based on the available evidence, this alteration is classified as pathogenic.

3billion
Classification: Pathogenic for Sotos syndrome. Last evaluated: 2024-10-16. Review status: criteria provided, single submitter. Criteria: ACMG Guidelines, 2015. Collection method: clinical testing. Allele origin: germline. Affected: yes.
Comment: The variant is not observed in the gnomAD v4.1.0 dataset. Predicted Consequence/Location: Frameshift: predicted to result in a loss or disruption of normal protein function through nonsense-mediated decay (NMD) or protein truncation. Multiple pathogenic variants are reported downstream of the variant. The variant has been reported at least twice as pathogenic without evidence for the classification (ClinVar ID: VCV000665380). Therefore, this variant is classified as Pathogenic according to the recommendation of ACMG/AMP guideline.

PreventionGenetics, part of Exact Sciences
Classification: Pathogenic for NSD1-related condition. Last evaluated: 2023-05-04. Review status: criteria provided, single submitter. Criteria: ACMG Guidelines, 2015. Collection method: clinical testing. Allele origin: germline.
Comment: The NSD1 c.2256_2257delTC variant is predicted to result in a frameshift and premature protein termination (p.Pro753Lysfs*11). This variant has not been reported in the literature or in a large population database, indicating this variant is rare. Frameshift variants in NSD1 are expected to be pathogenic. This variant is interpreted as pathogenic.

Labcorp Genetics (formerly Invitae), Labcorp
Classification: Pathogenic for Beckwith-Wiedemann syndrome. Last evaluated: 2018-09-11. Review status: criteria provided, single submitter. Criteria: Invitae Variant Classification Sherloc (09022015). Collection method: clinical testing. Allele origin: germline.
Comment: This sequence change creates a premature translational stop signal (p.Pro753Lysfs*11) in the NSD1 gene. It is expected to result in an absent or disrupted protein product. This variant is not present in population databases (ExAC no frequency). This variant has not been reported in the literature in individuals with NSD1-related disease. Loss-of-function variants in NSD1 are known to be pathogenic (PMID: 12464997, 14571271, 15942875, 16247291). For these reasons, this variant has been classified as Pathogenic.

Labcorp Genetics (formerly Invitae), Labcorp
Classification: Pathogenic. Last evaluated: 2018-09-06. Review status: criteria provided, single submitter. Criteria: Invitae Variant Classification Sherloc (09022015). Collection method: clinical testing. Allele origin: germline.
Comment: the same text as in the submission from Labcorp Genetics (formerly Invitae), Labcorp above.

Literature cited by the submitters: PubMed 12464997 (cited by Labcorp Genetics (formerly Invitae), Labcorp); PubMed 14571271 (cited by Labcorp Genetics (formerly Invitae), Labcorp); PubMed 15942875 (cited by Labcorp Genetics (formerly Invitae), Labcorp); PubMed 16247291 (cited by Labcorp Genetics (formerly Invitae), Labcorp).